The following is an entry in ClinVar:

NM_004817.4(TJP2):c.2939A>G (p.Asp980Gly)

Gene: TJP2 (tight junction protein 2; plus strand). Cytogenetic location: 9q21.11.
Variant type: single nucleotide variant.
Coding change: c.2939A>G on transcript NM_004817.4 (MANE Select); coding-DNA position 2939, A replaced by G.
Protein change: p.Asp980Gly; replaces aspartic acid 980 with glycine.
Molecular consequence: missense variant. On other transcripts: intron variant (6).
Genome position (GRCh38, 1-based): chr9:69,249,433, A>G. VCF-style: chr9-69249433-A-G. GRCh37 (hg19) VCF-style: chr9-71864349-A-G.
Other names: c.3032A>G, p.Asp1011Gly (NM_001170416.2); c.2864A>G, p.Asp955Gly (NM_001369870.1); c.2870A>G, p.Asp957Gly (NM_001369871.1); c.2951A>G, p.Asp984Gly (NM_001369875.1); c.2811+1209A>G (NM_001170414.2); c.2880+1209A>G (NM_201629.3, NM_001369872.1); c.2668-1602A>G (NM_001369873.1); c.2892+1209A>G (NM_001170415.1, NM_001369874.1); short protein forms D1011G, D957G, D955G, D984G, D980G.
Identifiers: ClinVar variation 4996264 (VCV004996264.1).

ClinVar aggregate classification (germline): Uncertain significance (1 of 4 stars; one submission).

Conditions:
TJP2-related disorder. Also called: TJP2-related condition.

gnomAD v4.1: 2 of 1,611,900 alleles (0.00012%); highest among the groups gnomAD compares: Non-Finnish European, 0.00017%; no homozygotes.

Submission:

PreventionGenetics, part of Exact Sciences
Classification: Uncertain significance for TJP2-related condition. Last evaluated: 2026-03-23. Review status: criteria provided, single submitter. Criteria: ACMG Guidelines, 2015. Collection method: clinical testing. Allele origin: germline.
Comment: The TJP2 c.2939A>G variant is predicted to result in the amino acid substitution p.Asp980Gly. To our knowledge, this variant has not been reported in the literature or in a large population database (gnomAD), indicating this variant is rare. At this time, the clinical significance of this variant is uncertain due to the absence of conclusive functional and genetic evidence.